The following is an entry in ClinVar:

NM_016203.4(PRKAG2):c.617C>T (p.Pro206Leu)

Gene: PRKAG2 (protein kinase AMP-activated non-catalytic subunit gamma 2; minus strand). Cytogenetic location: 7q36.1.
Variant type: single nucleotide variant.
Coding change: c.617C>T on transcript NM_016203.4 (MANE Select); coding-DNA position 617, C replaced by T.
Protein change: p.Pro206Leu; replaces proline 206 with leucine.
Molecular consequence: missense variant.
Genome position (GRCh38, 1-based): chr7:151,675,487, G>A on the plus strand (C>T on the coding strand, the complement: PRKAG2 is on the minus strand). VCF-style: chr7-151675487-G-A. GRCh37 (hg19) VCF-style: chr7-151372573-G-A.
Other names: c.485C>T, p.Pro162Leu (NM_001040633.2); c.245C>T, p.Pro82Leu (NM_001304527.2, NM_001363698.2); short protein forms P206L, P162L, P82L.
Identifiers: ClinVar variation 496439 (VCV000496439.16), dbSNP rs182084936, ClinGen allele CA057687.

ClinVar aggregate classification (germline): Conflicting classifications of pathogenicity. Review status: criteria provided, conflicting classifications (1 of 4 stars). 6 submissions from 6 submitters: Uncertain significance (4); Likely benign (2). Last evaluated 2026-04-04.

Conditions:
Cardiovascular phenotype. Identifiers: MedGen CN230736.
Lethal congenital glycogen storage disease of heart. Also called: GLYCOGEN STORAGE DISEASE OF HEART; PHOSPHORYLASE KINASE DEFICIENCY OF HEART. Identifiers: Orphanet 439854, MedGen C1849813, MONDO:0009867, OMIM 261740.
Hypertrophic cardiomyopathy 6. Identifiers: MedGen C1833236, MONDO:0010946, OMIM 600858.
Wolff-Parkinson-White pattern. Also called: WPW SYNDROME; Auriculoventricular accessory pathway syndrome; False bundle branch block syndrome; Anomalous ventricular excitation syndrome. Identifiers: MedGen C0043202, MONDO:0008685, OMIM 194200, HP:0001716.
Hypertrophic cardiomyopathy. Also called: HYPERTROPHIC MYOCARDIOPATHY. Identifiers: Orphanet 217569, MedGen C0007194, MeSH D002312, MONDO:0005045, HP:0001639.
Cardiomyopathy (CMYO). Also called: Cardiomyopathies. Identifiers: Orphanet 167848, MedGen C0878544, MONDO:0004994, HP:0001638. Inheritance: Various modes of inheritance.

Allele frequency attached by ClinVar (database versions not stated): TOPMed 0.00003; ESP Exome Variant Server 0.00008; 1000 Genomes Project 0.00020; 1000 Genomes Project 30x 0.00031; gnomAD exomes 0.00001; ExAC 0.00002; gnomAD 0.00004.
gnomAD v4.1: 33 of 1,614,190 alleles (0.002%); highest among the groups gnomAD compares: African/African-American, 0.0067%; no homozygotes.

Submissions (6):

Ambry Genetics
Classification: Likely benign for Cardiovascular phenotype. Last evaluated: 2026-04-04. Review status: criteria provided, single submitter. Criteria: Ambry Variant Classification Scheme 2023. Collection method: clinical testing. Allele origin: germline.

Labcorp Genetics (formerly Invitae), Labcorp
Classification: Likely benign for Lethal congenital glycogen storage disease of heart. Last evaluated: 2026-01-25. Review status: criteria provided, single submitter. Criteria: Invitae Variant Classification Sherloc (09022015). Collection method: clinical testing. Allele origin: germline.

Color Diagnostics, LLC DBA Color Health
Classification: Uncertain significance for Cardiomyopathy. Last evaluated: 2024-03-06. Review status: criteria provided, single submitter. Criteria: ACMG Guidelines, 2015. Collection method: clinical testing. Allele origin: germline.
Comment: This missense variant replaces proline with leucine at codon 206 of the PRKAG2 protein. Computational prediction suggests that this variant may not impact protein structure and function (internally defined REVEL score threshold <= 0.5, PMID: 27666373). To our knowledge, functional studies have not been reported for this variant. This variant has not been reported in individuals affected with cardiovascular disorders in the literature. This variant has been identified in 5/282752 chromosomes in the general population by the Genome Aggregation Database (gnomAD). The available evidence is insufficient to determine the role of this variant in disease conclusively. Therefore, this variant is classified as a Variant of Uncertain Significance.

Fulgent Genetics
Classification: Uncertain significance for Wolff-Parkinson-White pattern; Lethal congenital glycogen storage disease of heart; Hypertrophic cardiomyopathy 6. Last evaluated: 2024-01-26. Review status: criteria provided, single submitter. Criteria: ACMG Guidelines, 2015. Collection method: clinical testing. Allele origin: germline.

All of Us Research Program, National Institutes of Health
Classification: Uncertain significance for Hypertrophic cardiomyopathy. Last evaluated: 2022-12-05. Review status: criteria provided, single submitter. Criteria: ACMG Guidelines, 2015. Collection method: clinical testing. Allele origin: germline. Inheritance: Autosomal dominant inheritance. Observed: 1 variant allele, 1 heterozygote.
Comment: This missense variant replaces proline with leucine at codon 206 of the PRKAG2 protein. Computational prediction suggests that this variant may not impact protein structure and function (internally defined REVEL score threshold <= 0.5, PMID: 27666373). To our knowledge, functional studies have not been reported for this variant. This variant has not been reported in individuals affected with cardiovascular disorders in the literature. This variant has been identified in 5/282752 chromosomes in the general population by the Genome Aggregation Database (gnomAD). The available evidence is insufficient to determine the role of this variant in disease conclusively. Therefore, this variant is classified as a Variant of Uncertain Significance.

This study involves interpretation of variants in research participants for the purpose of population health screening. Participant phenotype was not available at the time of variant classification. Additional details can be found in publication PMID: 35346344, PMCID: PMC8962531

Women's Health and Genetics/Laboratory Corporation of America, LabCorp
Classification: Uncertain significance. Last evaluated: 2017-01-23. Review status: criteria provided, single submitter. Criteria: LabCorp Variant Classification Summary - May 2015. Collection method: clinical testing. Allele origin: germline.
Comment: Variant summary: The PRKAG2 c.617C>T (p.Pro206Leu) variant involves the alteration of a non-conserved nucleotide. 2/4 in silico tools predict a benign outcome for this variant (SNPs&GO not captured due to low reliability index). This variant was found in 2/121060 control chromosomes at a frequency of 0.0000165, which does not exceed the estimated maximal expected allele frequency of a pathogenic PRKAG2 variant (0.000025). The variant of interest has not, to our knowledge, been reported in affected individuals via publications and/or reputable databases/clinical diagnostic laboratories; nor evaluated for functional impact by in vivo/vitro studies. Because of the absence of clinical information and the lack of functional studies, the variant is classified as a variant of uncertain significance (VUS) until additional information becomes available.